The following is an entry in ClinVar:

NM_001040142.2(SCN2A):c.3036del (p.Gly1013fs)

Gene: SCN2A (sodium voltage-gated channel alpha subunit 2; plus strand). Cytogenetic location: 2q24.3.
Variant type: Deletion.
Coding change: c.3036del on transcript NM_001040142.2 (MANE Select); coding-DNA position 3036, one base deleted (A; older notation c.3036delA).
Protein change: p.Gly1013fs; shifts the reading frame from glycine 1013.
Molecular consequence: frameshift variant.
Genome position (GRCh38, 1-based): chr2:165,354,308, A deleted; the last of 3 consecutive A bases (chr2:165,354,306-165,354,308); deleting any one gives the same sequence. VCF-style (leftmost placement, unchanged base first): chr2-165354305-GA-G. GRCh37 (hg19) VCF-style: chr2-166210815-GA-G.
Other names: c.3036del, p.Gly1013fs (NM_001040143.2, NM_001371246.1, NM_001371247.1 and 1 more transcripts); c.3036delA (NM_021007.2); short protein forms G1013fs.
Identifiers: ClinVar variation 533484 (VCV000533484.7), dbSNP rs1553583659, ClinGen allele CA658795904.

ClinVar aggregate classification (germline): Pathogenic (1 of 4 stars; one submission).

Conditions:
Developmental and epileptic encephalopathy, 11 (DEE11). Also called: Early infantile epileptic encephalopathy 11. Identifiers: Orphanet 1934, MedGen C3150987, MONDO:0013388, OMIM 613721.
Seizures, benign familial infantile, 3 (BFIS3). Also called: CONVULSIONS, BENIGN FAMILIAL INFANTILE, 3; Familial neonatal seizures. Identifiers: Orphanet 140927, Orphanet 306, MedGen C1843140, MONDO:0011904, OMIM 607745.

Submission:

Labcorp Genetics (formerly Invitae), Labcorp
Classification: Pathogenic for Seizures, benign familial infantile, 3; Developmental and epileptic encephalopathy, 11. Last evaluated: 2020-01-21. Review status: criteria provided, single submitter. Criteria: Invitae Variant Classification Sherloc (09022015). Collection method: clinical testing. Allele origin: germline.
Comment: This sequence change creates a premature translational stop signal (p.Gly1013Glufs*24) in the SCN2A gene. It is expected to result in an absent or disrupted protein product. This variant is not present in population databases (ExAC no frequency). This variant has not been reported in the literature in individuals with SCN2A-related disease. Loss-of-function variants in SCN2A are known to be pathogenic (PMID: 2635020, 22495306, 23020937, 24650168). For these reasons, this variant has been classified as Pathogenic.

Literature cited by the submitters: PubMed 2635020; PubMed 22495306; PubMed 23020937; PubMed 24650168.